The following is an entry in ClinVar:

ClinVar aggregate classification (germline): Uncertain significance. Review status: criteria provided, multiple submitters, no conflicts (2 of 4 stars). 3 submissions from 3 submitters: Uncertain significance (2). 1 of the submissions does not count toward it. Last evaluated 2024-10-31.

Conditions:
Pulmonary fibrosis and/or bone marrow failure, Telomere-related, 3. Also called: PULMONARY FIBROSIS AND/OR BONE MARROW FAILURE SYNDROME, TELOMERE-RELATED, 3. Identifiers: Orphanet 2032, MedGen C4225346, MONDO:0014613, OMIM 616373.
Dyskeratosis congenita, autosomal recessive 5 (DKCB5). Identifiers: MedGen C3554656, MONDO:0014076, OMIM 615190.

Allele frequency attached by ClinVar (database versions not stated): gnomAD 0.00002; gnomAD exomes 0.00002.

Submissions (3):

Labcorp Genetics (formerly Invitae), Labcorp
Classification: Uncertain significance for Dyskeratosis congenita, autosomal recessive 5; Pulmonary fibrosis and/or bone marrow failure, Telomere-related, 3. Last evaluated: 2024-10-31. Review status: criteria provided, single submitter. Criteria: Invitae Variant Classification Sherloc (09022015). Collection method: clinical testing. Allele origin: germline.
Comment: This sequence change falls in intron 15 of the RTEL1 gene. It does not directly change the encoded amino acid sequence of the RTEL1 protein. It affects a nucleotide within the consensus splice site. This variant is present in population databases (no rsID available, gnomAD 0.004%). This variant has been observed in individual(s) with clinical features consistent with dyskeratosis congenita and/or RTEL1-related conditions (PMID: 27824607, 30523160). This variant is also known as IVS15+3A>G. ClinVar contains an entry for this variant (Variation ID: 557312). Variants that disrupt the consensus splice site are a relatively common cause of aberrant splicing (PMID: 17576681, 9536098). Algorithms developed to predict the effect of sequence changes on RNA splicing suggest that this variant may disrupt the consensus splice site. In summary, the available evidence is currently insufficient to determine the role of this variant in disease. Therefore, it has been classified as a Variant of Uncertain Significance.

Fulgent Genetics
Classification: Uncertain significance for Dyskeratosis congenita, autosomal recessive 5; Pulmonary fibrosis and/or bone marrow failure, Telomere-related, 3. Last evaluated: 2022-04-15. Review status: criteria provided, single submitter. Criteria: ACMG Guidelines, 2015. Collection method: clinical testing. Allele origin: unknown.

Counsyl
Classification: Uncertain significance for Dyskeratosis congenita, autosomal recessive 5. Last evaluated: 2018-03-16. Review status: no assertion criteria provided. Collection method: clinical testing. Allele origin: unknown. Not counted in ClinVar's aggregate classification.

Literature cited by the submitters: PubMed 27824607 (cited by Labcorp Genetics (formerly Invitae), Labcorp and Counsyl); PubMed 30523160 (cited by Labcorp Genetics (formerly Invitae), Labcorp); PubMed 17576681 (cited by Labcorp Genetics (formerly Invitae), Labcorp); PubMed 9536098 (cited by Labcorp Genetics (formerly Invitae), Labcorp).

NM_001283009.2(RTEL1):c.1266+3A>G

Genes: RTEL1 (regulator of telomere elongation helicase 1; plus strand), RTEL1-TNFRSF6B (RTEL1-TNFRSF6B readthrough (NMD candidate); plus strand). Cytogenetic location: 20q13.33.
Variant type: single nucleotide variant.
Coding change: c.1266+3A>G on transcript NM_001283009.2 (MANE Select); 3 bases into the intron after coding-DNA position 1266, A replaced by G.
Molecular consequence: intron variant.
Genome position (GRCh38, 1-based): chr20:63,685,600, A>G. VCF-style: chr20-63685600-A-G. GRCh37 (hg19) VCF-style: chr20-62316953-A-G.
Other names: c.597+3A>G (NM_001283010.1); c.1338+3A>G (NM_032957.5); c.1266+3A>G (NM_016434.4).
Identifiers: ClinVar variation 557312 (VCV000557312.6), dbSNP rs889856101, ClinGen allele CA317505628.